The following is an entry in ClinVar:

ClinVar aggregate classification (germline): Uncertain significance (1 of 4 stars; one submission).

Conditions:
Cardiovascular phenotype. Identifiers: MedGen CN230736.

Allele frequency attached by ClinVar (database versions not stated): gnomAD exomes below 0.00001.
gnomAD v4.1: 1 of 1,613,860 alleles (0.000062%); highest among the groups gnomAD compares: Non-Finnish European, 0.000085%; no homozygotes.

Submission:

Ambry Genetics
Classification: Uncertain significance for Cardiovascular phenotype. Last evaluated: 2024-01-23. Review status: criteria provided, single submitter. Criteria: Ambry Variant Classification Scheme 2023. Collection method: clinical testing. Allele origin: germline.
Comment: The p.T1770S variant (also known as c.5308A>T), located in coding exon 27 of the SCN10A gene, results from an A to T substitution at nucleotide position 5308. The threonine at codon 1770 is replaced by serine, an amino acid with similar properties. This amino acid position is conserved. In addition, this alteration is predicted to be tolerated by in silico analysis. Based on the available evidence, the clinical significance of this alteration remains unclear.

NM_006514.4(SCN10A):c.5308A>T (p.Thr1770Ser)

Gene: SCN10A (sodium voltage-gated channel alpha subunit 10; minus strand). Cytogenetic location: 3p22.2.
Variant type: single nucleotide variant.
Coding change: c.5308A>T on transcript NM_006514.4 (MANE Select); coding-DNA position 5308, A replaced by T.
Protein change: p.Thr1770Ser; replaces threonine 1770 with serine.
Molecular consequence: missense variant.
Genome position (GRCh38, 1-based): chr3:38,697,912, T>A on the plus strand (A>T on the coding strand, the complement: SCN10A is on the minus strand). VCF-style: chr3-38697912-T-A. GRCh37 (hg19) VCF-style: chr3-38739403-T-A.
Other names: c.5305A>T, p.Thr1769Ser (NM_001293306.2); c.5014A>T, p.Thr1672Ser (NM_001293307.2); short protein forms T1672S, T1769S, T1770S.
Identifiers: ClinVar variation 3225681 (VCV003225681.1), dbSNP rs2470551677, ClinGen allele CA352154035.